The following is an entry in ClinVar:

NM_001004356.3(FGFRL1):c.867G>T (p.Glu289Asp)

Gene: FGFRL1 (fibroblast growth factor receptor like 1; plus strand). Cytogenetic location: 4p16.3.
Variant type: single nucleotide variant.
Coding change: c.867G>T on transcript NM_001004356.3 (MANE Select); coding-DNA position 867, G replaced by T.
Protein change: p.Glu289Asp; replaces glutamic acid 289 with aspartic acid.
Molecular consequence: missense variant.
Genome position (GRCh38, 1-based): chr4:1,024,459, G>T. VCF-style: chr4-1024459-G-T. GRCh37 (hg19) VCF-style: chr4-1018247-G-T.
Other names: c.867G>T, p.Glu289Asp (NM_001004358.1, NM_001370296.1, NM_021923.3); c.867G>T (NM_001004356.2); short protein forms E289D.
Identifiers: ClinVar variation 1402589 (VCV001402589.7), dbSNP rs564517711, ClinGen allele CA2802892.

ClinVar aggregate classification (germline): Uncertain significance. Review status: criteria provided, multiple submitters, no conflicts (2 of 4 stars). 2 submissions from 2 submitters: Uncertain significance (2). Last evaluated 2025-07-02.

Allele frequency attached by ClinVar (database versions not stated): gnomAD exomes 0.00002 and 0.00004; ExAC 0.00004; gnomAD 0.00025 and 0.00028; 1000 Genomes Project 0.00040; 1000 Genomes Project 30x 0.00047; TOPMed 0.00074.
gnomAD v4.1: 86 of 1,612,430 alleles (0.0053%); highest among the groups gnomAD compares: Admixed American, 0.098%; 2 homozygotes.

Submissions (2):

Labcorp Genetics (formerly Invitae), Labcorp
Classification: Uncertain significance. Last evaluated: 2025-07-02. Review status: criteria provided, single submitter. Criteria: Invitae Variant Classification Sherloc (09022015). Collection method: clinical testing. Allele origin: germline.
Comment: This sequence change replaces glutamic acid, which is acidic and polar, with aspartic acid, which is acidic and polar, at codon 289 of the FGFRL1 protein (p.Glu289Asp). This variant is present in population databases (rs564517711, gnomAD 0.02%). This variant has not been reported in the literature in individuals affected with FGFRL1-related conditions. ClinVar contains an entry for this variant (Variation ID: 1402589). An algorithm developed to predict the effect of missense changes on protein structure and function (PolyPhen-2) suggests that this variant is likely to be disruptive. In summary, the available evidence is currently insufficient to determine the role of this variant in disease. Therefore, it has been classified as a Variant of Uncertain Significance.

Ambry Genetics
Classification: Uncertain significance. Last evaluated: 2024-09-27. Review status: criteria provided, single submitter. Criteria: Ambry Variant Classification Scheme 2023. Collection method: clinical testing. Allele origin: germline.